The following is an entry in ClinVar:

NM_052989.3(IFT122):c.2777T>C (p.Leu926Pro)

Gene: IFT122 (intraflagellar transport 122; plus strand). Cytogenetic location: 3q22.1.
Variant type: single nucleotide variant.
Coding change: c.2777T>C on transcript NM_052989.3 (MANE Select); coding-DNA position 2777, T replaced by C.
Protein change: p.Leu926Pro; replaces leucine 926 with proline.
Molecular consequence: missense variant.
Genome position (GRCh38, 1-based): chr3:129,506,535, T>C. VCF-style: chr3-129506535-T-C. GRCh37 (hg19) VCF-style: chr3-129225378-T-C.
Other names: c.2600T>C, p.Leu867Pro (NM_001410810.1, NM_018262.4); c.2546T>C, p.Leu849Pro (NM_001410811.1, NM_001410813.1); c.2444T>C, p.Leu815Pro (NM_001410815.1, NM_052990.3); c.2390T>C, p.Leu797Pro (NM_001410817.1); c.2930T>C, p.Leu977Pro (NM_052985.4); c.2753T>C, p.Leu918Pro (NM_001280541.2); c.2327T>C, p.Leu776Pro (NM_001280545.2); c.2150T>C, p.Leu717Pro (NM_001280546.2); and 2 more; short protein forms L776P, L815P, L849P, L867P, L908P, L926P, L918P, L977P.
Identifiers: ClinVar variation 2052384 (VCV002052384.1), dbSNP rs755903501, ClinGen allele CA2606638.
Genomic context (GRCh38, chr3:129,506,535, plus strand): 5'-TGGCGGAGAGCAGGTTTAATGATGCTGCCTATTATTACTGGATGCTGTCCATGCAGTGCC[T>C]CGATATAGCTCAAGGTGTGTAAACATCAGCCAGACCACTGTTTTCCCAAGCCCCACTCTG-3'
Protein context (NP_443715.1, residues 916-936): YYYWMLSMQC[Leu926Pro]DIAQDPAQKD

ClinVar aggregate classification (germline): Uncertain significance (1 of 4 stars; one submission).

Conditions:
Cranioectodermal dysplasia 1 (CED1). Also called: LEVIN SYNDROME I. Identifiers: Orphanet 1515, MedGen C0432235, MONDO:0021093, OMIM 218330.

Allele frequency attached by ClinVar (database versions not stated): ExAC 0.00001; gnomAD exomes 0.00001.
gnomAD v4.1: 6 of 1,614,206 alleles (0.00037%); highest among the groups gnomAD compares: Admixed American, 0.01%; no homozygotes.

Submission:

Labcorp Genetics (formerly Invitae), Labcorp
Classification: Uncertain significance for Cranioectodermal dysplasia 1. Last evaluated: 2022-07-01. Review status: criteria provided, single submitter. Criteria: Invitae Variant Classification Sherloc (09022015). Collection method: clinical testing. Allele origin: germline.
Comment: This sequence change replaces leucine, which is neutral and non-polar, with proline, which is neutral and non-polar, at codon 977 of the IFT122 protein (p.Leu977Pro). This variant is present in population databases (rs755903501, gnomAD 0.01%). This variant has not been reported in the literature in individuals affected with IFT122-related conditions. Algorithms developed to predict the effect of missense changes on protein structure and function (SIFT, PolyPhen-2, Align-GVGD) all suggest that this variant is likely to be disruptive. In summary, the available evidence is currently insufficient to determine the role of this variant in disease. Therefore, it has been classified as a Variant of Uncertain Significance.